The following is an entry in ClinVar:

NM_001042492.3(NF1):c.668G>A (p.Trp223Ter)

Gene: NF1 (neurofibromin 1; plus strand). Cytogenetic location: 17q11.2.
Variant type: single nucleotide variant.
Coding change: c.668G>A on transcript NM_001042492.3 (MANE Select); coding-DNA position 668, G replaced by A.
Protein change: p.Trp223Ter; replaces tryptophan 223 with a stop codon.
Molecular consequence: nonsense.
Genome position (GRCh38, 1-based): chr17:31,181,723, G>A. VCF-style: chr17-31181723-G-A. GRCh37 (hg19) VCF-style: chr17-29508741-G-A.
Other names: c.668G>A, p.Trp223Ter (NM_000267.4, NM_001128147.3); short protein forms W223*.
Identifiers: ClinVar variation 579648 (VCV000579648.9), dbSNP rs1567826110, ClinGen allele CA398989727.

ClinVar aggregate classification (germline): Pathogenic. Review status: criteria provided, multiple submitters, no conflicts (2 of 4 stars). 3 submissions from 3 submitters: Pathogenic (3). Last evaluated 2026-04-23.

Conditions:
Cardiovascular phenotype. Identifiers: MedGen CN230736.
Hereditary cancer-predisposing syndrome. Also called: Tumor predisposition; Hereditary Cancer Syndrome; Neoplastic Syndromes, Hereditary; Hereditary neoplastic syndrome. Identifiers: Orphanet 140162, MedGen C0027672, MeSH D009386, MONDO:0015356.
Neurofibromatosis, type 1 (NF1). Also called: VON RECKLINGHAUSEN DISEASE; Neurofibromatosis, type I; NEUROFIBROMATOSIS, TYPE I, SOMATIC; Peripheral type neurofibromatosis. Identifiers: Orphanet 636, MedGen C0027831, MONDO:0018975, OMIM 162200. Disease mechanism: loss of function.

Submissions (3):

Ambry Genetics
Classification: Pathogenic for Cardiovascular phenotype; Hereditary cancer-predisposing syndrome. Last evaluated: 2026-04-23. Review status: criteria provided, single submitter. Criteria: Ambry Variant Classification Scheme 2023. Collection method: clinical testing. Allele origin: germline.
Comment: The p.W223* pathogenic mutation (also known as c.668G>A), located in coding exon 7 of the NF1 gene, results from a G to A substitution at nucleotide position 668. This changes the amino acid from a tryptophan to a stop codon within coding exon 7. This variant was reported in individual(s) with features consistent with neurofibromatosis type 1 (Xu W et al. Int J Mol Med, 2014 Jul;34:53-60). This variant is considered to be rare based on population cohorts in the Genome Aggregation Database (gnomAD). This alteration is expected to result in loss of function by premature protein truncation or nonsense-mediated mRNA decay. As such, this alteration is interpreted as a disease-causing mutation.

Labcorp Genetics (formerly Invitae), Labcorp
Classification: Pathogenic for Neurofibromatosis, type 1. Last evaluated: 2025-01-29. Review status: criteria provided, single submitter. Criteria: Invitae Variant Classification Sherloc (09022015). Collection method: clinical testing. Allele origin: germline.
Comment: This sequence change creates a premature translational stop signal (p.Trp223*) in the NF1 gene. It is expected to result in an absent or disrupted protein product. Loss-of-function variants in NF1 are known to be pathogenic (PMID: 10712197, 23913538). This variant is not present in population databases (gnomAD no frequency). This premature translational stop signal has been observed in individual(s) with neurofibromatosis type 1 (PMID: 24789688, 25074460; internal data). ClinVar contains an entry for this variant (Variation ID: 579648). For these reasons, this variant has been classified as Pathogenic.

ARUP Laboratories, Molecular Genetics and Genomics, ARUP Laboratories
Classification: Pathogenic. Last evaluated: 2023-03-14. Review status: criteria provided, single submitter. Criteria: ARUP Molecular Germline Variant Investigation Process 2024. Collection method: clinical testing. Allele origin: germline.
Comment: The NF1 c.668G>A; p.Trp223Ter variant (rs1567826110) is reported in the literature in individuals with NF1 (Pasmant 2015, Xu 2014). This variant is also reported in ClinVar (Variation ID: 579648). It is absent from the Genome Aggregation Database, indicating it is not a common polymorphism. This variant induces an early termination codon and is predicted to result in a truncated protein or mRNA subject to nonsense-mediated decay. Based on available information, this variant is considered to be pathogenic. References: Pasmant E et al. Neurofibromatosis type 1 molecular diagnosis: what can NGS do for you when you have a large gene with loss of function mutations? Eur J Hum Genet. 2015 May;23(5):596-601. PMID: 25074460. Xu W et al. Fifty-four novel mutations in the NF1 gene and integrated analyses of the mutations that modulate splicing. Int J Mol Med. 2014 Jul;34(1):53-60. PMID: 24789688.

Literature cited by the submitters: PubMed 24789688 (cited by Ambry Genetics and Labcorp Genetics (formerly Invitae), Labcorp); PubMed 10712197 (cited by Labcorp Genetics (formerly Invitae), Labcorp); PubMed 23913538 (cited by Labcorp Genetics (formerly Invitae), Labcorp); PubMed 25074460 (cited by Labcorp Genetics (formerly Invitae), Labcorp).